The following is an entry in ClinVar:

ClinVar aggregate classification (germline): Likely benign (1 of 4 stars; one submission).

Submission:

CeGaT Center for Human Genetics Tuebingen
Classification: Likely benign. Last evaluated: 2023-11-01. Review status: criteria provided, single submitter. Criteria: CeGaT Center For Human Genetics Tuebingen Variant Classification Criteria Version 2. Collection method: clinical testing. Allele origin: germline. Affected: yes. Observed: 1 variant allele.
Comment: HRNR: BP4, BP7

NM_001009931.3(HRNR):c.7620G>A (p.Gln2540=)

Genes: CCDST (cervical cancer associated DHX9 suppressive transcript; plus strand), HRNR (hornerin; minus strand). Cytogenetic location: 1q21.3.
Variant type: single nucleotide variant.
Coding change: c.7620G>A on transcript NM_001009931.3 (MANE Select); coding-DNA position 7620, G replaced by A.
Protein change: p.Gln2540=; no amino-acid change (glutamine 2540 retained).
Molecular consequence: synonymous variant.
Genome position (GRCh38, 1-based): chr1:152,214,009, C>T on the plus strand (G>A on the coding strand, the complement: HRNR is on the minus strand). VCF-style: chr1-152214009-C-T. GRCh37 (hg19) VCF-style: chr1-152186485-C-T.
Identifiers: ClinVar variation 2672351 (VCV002672351.23), dbSNP rs1230639619, ClinGen allele CA420920611.